The following is an entry in ClinVar:

ClinVar aggregate classification (germline): Uncertain significance (1 of 4 stars; one submission).

Conditions:
RASopathy. Also called: rasopathies; Noonan spectrum disorder. Identifiers: Orphanet 536391, MedGen C5555857, MONDO:0021060.

Allele frequency attached by ClinVar (database versions not stated): gnomAD exomes below 0.00001.
gnomAD v4.1: 3 of 1,613,404 alleles (0.00019%); highest among the groups gnomAD compares: Non-Finnish European, 0.00017%; no homozygotes.

Submission:

Labcorp Genetics (formerly Invitae), Labcorp
Classification: Uncertain significance for RASopathy. Last evaluated: 2022-07-15. Review status: criteria provided, single submitter. Criteria: Invitae Variant Classification Sherloc (09022015). Collection method: clinical testing. Allele origin: germline.
Comment: This variant is not present in population databases (gnomAD no frequency). This sequence change replaces isoleucine, which is neutral and non-polar, with valine, which is neutral and non-polar, at codon 490 of the SHOC2 protein (p.Ile490Val). This variant has not been reported in the literature in individuals affected with SHOC2-related conditions. In summary, the available evidence is currently insufficient to determine the role of this variant in disease. Therefore, it has been classified as a Variant of Uncertain Significance. Algorithms developed to predict the effect of missense changes on protein structure and function are either unavailable or do not agree on the potential impact of this missense change (SIFT: "Tolerated"; PolyPhen-2: "Probably Damaging"; Align-GVGD: "Class C15").

NM_007373.4(SHOC2):c.1468A>G (p.Ile490Val)

Gene: SHOC2 (SHOC2 leucine rich repeat scaffold protein; plus strand). Cytogenetic location: 10q25.2.
Variant type: single nucleotide variant.
Coding change: c.1468A>G on transcript NM_007373.4 (MANE Select); coding-DNA position 1468, A replaced by G.
Protein change: p.Ile490Val; replaces isoleucine 490 with valine.
Molecular consequence: missense variant. On other transcripts: non-coding transcript variant (1).
Genome position (GRCh38, 1-based): chr10:111,009,758, A>G. VCF-style: chr10-111009758-A-G. GRCh37 (hg19) VCF-style: chr10-112769516-A-G.
Other names: c.1330A>G, p.Ile444Val (NM_001269039.3); c.1468A>G, p.Ile490Val (NM_001324336.2, NM_001324337.2); short protein forms I490V, I444V.
Identifiers: ClinVar variation 1899194 (VCV001899194.5), dbSNP rs2493959920, ClinGen allele CA378524644.